The following is an entry in ClinVar:

ClinVar aggregate classification (germline): Uncertain significance (1 of 4 stars; one submission).

Conditions:
Familial cancer of breast. Also called: Hereditary breast cancer; hereditary breast carcinoma; BREAST CANCER, FAMILIAL. Identifiers: Orphanet 227535, MedGen C0346153, MONDO:0016419, OMIM 114480. Disease mechanism: loss of function.
Fanconi anemia complementation group J. Also called: BRIP1-Related Fanconi Anemia. Identifiers: Orphanet 84, MedGen C1836860, MONDO:0012187, OMIM 609054.

Submission:

Labcorp Genetics (formerly Invitae), Labcorp
Classification: Uncertain significance for Familial cancer of breast; Fanconi anemia complementation group J. Last evaluated: 2024-10-28. Review status: criteria provided, single submitter. Criteria: Invitae Variant Classification Sherloc (09022015). Collection method: clinical testing. Allele origin: germline.
Comment: This sequence change replaces glutamic acid, which is acidic and polar, with glycine, which is neutral and non-polar, at codon 938 of the BRIP1 protein (p.Glu938Gly). This variant is not present in population databases (gnomAD no frequency). This missense change has been observed in individual(s) with BRIP1-related conditions (PMID: 35171259). ClinVar contains an entry for this variant (Variation ID: 2053113). Invitae Evidence Modeling of protein sequence and biophysical properties (such as structural, functional, and spatial information, amino acid conservation, physicochemical variation, residue mobility, and thermodynamic stability) indicates that this missense variant is not expected to disrupt BRIP1 protein function with a negative predictive value of 95%. In summary, the available evidence is currently insufficient to determine the role of this variant in disease. Therefore, it has been classified as a Variant of Uncertain Significance.

Literature cited by the submitters: PubMed 35171259.

NM_032043.3(BRIP1):c.2813A>G (p.Glu938Gly)

Gene: BRIP1 (BRCA1 interacting DNA helicase 1; minus strand). Cytogenetic location: 17q23.2.
Variant type: single nucleotide variant.
Coding change: c.2813A>G on transcript NM_032043.3 (MANE Select); coding-DNA position 2813, A replaced by G.
Protein change: p.Glu938Gly; replaces glutamic acid 938 with glycine.
Molecular consequence: missense variant.
Genome position (GRCh38, 1-based): chr17:61,685,928, T>C on the plus strand (A>G on the coding strand, the complement: BRIP1 is on the minus strand). VCF-style: chr17-61685928-T-C. GRCh37 (hg19) VCF-style: chr17-59763289-T-C.
Other names: short protein forms E938G.
Identifiers: ClinVar variation 2053113 (VCV002053113.4), dbSNP rs2144110408, ClinGen allele CA400481478.